The following is an entry in ClinVar:

NM_004974.4(KCNA2):c.47C>G (p.Pro16Arg)

Gene: KCNA2 (potassium voltage-gated channel subfamily A member 2; minus strand). Cytogenetic location: 1p13.3.
Variant type: single nucleotide variant.
Coding change: c.47C>G on transcript NM_004974.4 (MANE Select); coding-DNA position 47, C replaced by G.
Protein change: p.Pro16Arg; replaces proline 16 with arginine.
Molecular consequence: missense variant.
Genome position (GRCh38, 1-based): chr1:110,604,736, G>C on the plus strand (C>G on the coding strand, the complement: KCNA2 is on the minus strand). VCF-style: chr1-110604736-G-C. GRCh37 (hg19) VCF-style: chr1-111147358-G-C.
Other names: c.47C>G, p.Pro16Arg (NM_001204269.2); short protein forms P16R.
Identifiers: ClinVar variation 952381 (VCV000952381.10), dbSNP rs1649522718, ClinGen allele CA341607311.

ClinVar aggregate classification (germline): Uncertain significance (1 of 4 stars; one submission).

Conditions:
Developmental and epileptic encephalopathy, 32 (DEE32). Also called: Epileptic encephalopathy, early infantile, 32. Identifiers: Orphanet 442835, MedGen C4225350, MONDO:0014607, OMIM 616366.

Submission:

Labcorp Genetics (formerly Invitae), Labcorp
Classification: Uncertain significance for Developmental and epileptic encephalopathy, 32. Last evaluated: 2022-09-01. Review status: criteria provided, single submitter. Criteria: Invitae Variant Classification Sherloc (09022015). Collection method: clinical testing. Allele origin: germline.
Comment: This variant has not been reported in the literature in individuals affected with KCNA2-related conditions. In summary, the available evidence is currently insufficient to determine the role of this variant in disease. Therefore, it has been classified as a Variant of Uncertain Significance. Advanced modeling of protein sequence and biophysical properties (such as structural, functional, and spatial information, amino acid conservation, physicochemical variation, residue mobility, and thermodynamic stability) performed at Invitae indicates that this missense variant is not expected to disrupt KCNA2 protein function. ClinVar contains an entry for this variant (Variation ID: 952381). This variant is not present in population databases (gnomAD no frequency). This sequence change replaces proline, which is neutral and non-polar, with arginine, which is basic and polar, at codon 16 of the KCNA2 protein (p.Pro16Arg).